The following is an entry in ClinVar:

ClinVar aggregate classification (germline): Uncertain significance. Review status: criteria provided, multiple submitters, no conflicts (2 of 4 stars). 3 submissions from 3 submitters: Uncertain significance (3). Last evaluated 2025-10-10.

Conditions:
Intellectual disability and myopathy syndrome (IDMYS). Identifiers: MedGen C5676904, MONDO:0859224, OMIM 619719.
Dilated cardiomyopathy 1O (CMD1O). Also called: CARDIOMYOPATHY, DILATED, WITH VENTRICULAR TACHYCARDIA. Identifiers: Orphanet 154, MedGen C1837839, MONDO:0012062, OMIM 608569.
Hypertrichotic osteochondrodysplasia Cantu type. Also called: Cantú Syndrome; Cantu Syndrome. Identifiers: Orphanet 1517, MedGen C0795905, MONDO:0009406, OMIM 239850.
Atrial fibrillation, familial, 12 (ATFB12). Identifiers: MedGen C3279695, MONDO:0013545, OMIM 614050.
Cardiovascular phenotype. Identifiers: MedGen CN230736.

Allele frequency attached by ClinVar (database versions not stated): gnomAD exomes below 0.00001.
gnomAD v4.1: 1 of 1,613,590 alleles (0.000062%); highest among the groups gnomAD compares: Non-Finnish European, 0.000085%; no homozygotes.

Submissions (3):

Labcorp Genetics (formerly Invitae), Labcorp
Classification: Uncertain significance for Dilated cardiomyopathy 1O. Last evaluated: 2025-10-10. Review status: criteria provided, single submitter. Criteria: Invitae Variant Classification Sherloc (09022015). Collection method: clinical testing. Allele origin: germline.
Comment: This sequence change replaces alanine, which is neutral and non-polar, with serine, which is neutral and polar, at codon 940 of the ABCC9 protein (p.Ala940Ser). This variant is present in population databases (no rsID available, gnomAD 0.0009%). This variant has not been reported in the literature in individuals affected with ABCC9-related conditions. ClinVar contains an entry for this variant (Variation ID: 1009218). Invitae Evidence Modeling of protein sequence and biophysical properties (such as structural, functional, and spatial information, amino acid conservation, physicochemical variation, residue mobility, and thermodynamic stability) has been performed for this missense variant. However, the output from this modeling did not meet the statistical confidence thresholds required to predict the impact of this variant on ABCC9 protein function. In summary, the available evidence is currently insufficient to determine the role of this variant in disease. Therefore, it has been classified as a Variant of Uncertain Significance.

Fulgent Genetics
Classification: Uncertain significance for Hypertrichotic osteochondrodysplasia Cantu type; Dilated cardiomyopathy 1O; Atrial fibrillation, familial, 12; Intellectual disability and myopathy syndrome. Last evaluated: 2021-09-17. Review status: criteria provided, single submitter. Criteria: ACMG Guidelines, 2015. Collection method: clinical testing. Allele origin: unknown.

Ambry Genetics
Classification: Uncertain significance for Cardiovascular phenotype. Last evaluated: 2020-12-30. Review status: criteria provided, single submitter. Criteria: Ambry Variant Classification Scheme 2023. Collection method: clinical testing. Allele origin: germline.
Comment: The p.A940S variant (also known as c.2818G>T), located in coding exon 23 of the ABCC9 gene, results from a G to T substitution at nucleotide position 2818. The alanine at codon 940 is replaced by serine, an amino acid with similar properties. This amino acid position is highly conserved in available vertebrate species. In addition, the in silico prediction for this alteration is inconclusive. Since supporting evidence is limited at this time, the clinical significance of this alteration remains unclear.

NM_020297.4(ABCC9):c.2818G>T (p.Ala940Ser)

Gene: ABCC9 (ATP binding cassette subfamily C member 9; minus strand). Cytogenetic location: 12p12.1.
Variant type: single nucleotide variant.
Coding change: c.2818G>T on transcript NM_020297.4 (MANE Select); coding-DNA position 2818, G replaced by T.
Protein change: p.Ala940Ser; replaces alanine 940 with serine.
Molecular consequence: missense variant.
Genome position (GRCh38, 1-based): chr12:21,848,198, C>A on the plus strand (G>T on the coding strand, the complement: ABCC9 is on the minus strand). VCF-style: chr12-21848198-C-A. GRCh37 (hg19) VCF-style: chr12-22001132-C-A.
Other names: c.2818G>T (NM_005691.3); c.2818G>T, p.Ala940Ser (NM_001377273.1, NM_005691.4); c.1951G>T, p.Ala651Ser (NM_001377274.1); short protein forms A651S, A940S.
Identifiers: ClinVar variation 1009218 (VCV001009218.12), dbSNP rs1373377020, ClinGen allele CA384122092.